The following is an entry in ClinVar:

ClinVar aggregate classification (germline): Uncertain significance (1 of 4 stars; one submission).

Conditions:
Tuberous sclerosis 2 (TSC2). Identifiers: Orphanet 805, MedGen C1860707, MONDO:0013199, OMIM 613254.

Submission:

Labcorp Genetics (formerly Invitae), Labcorp
Classification: Uncertain significance for Tuberous sclerosis 2. Last evaluated: 2017-11-18. Review status: criteria provided, single submitter. Criteria: Invitae Variant Classification Sherloc (09022015). Collection method: clinical testing. Allele origin: germline.
Comment: In summary, the available evidence is currently insufficient to determine the role of this variant in disease. Therefore, it has been classified as a Variant of Uncertain Significance. Algorithms developed to predict the effect of missense changes on protein structure and function output the following: SIFT: "Deleterious"; PolyPhen-2: "Benign"; Align-GVGD: "Class C0". The glycine amino acid residue is found in multiple mammalian species, suggesting that this missense change does not adversely affect protein function. These predictions have not been confirmed by published functional studies and their clinical significance is uncertain. This variant has not been reported in the literature in individuals with TSC2-related disease. This variant is not present in population databases (ExAC no frequency). This sequence change replaces valine with glycine at codon 1407 of the TSC2 protein (p.Val1407Gly). The valine residue is weakly conserved and there is a moderate physicochemical difference between valine and glycine.

NM_000548.5(TSC2):c.4220T>G (p.Val1407Gly)

Gene: TSC2 (TSC complex subunit 2; plus strand). Cytogenetic location: 16p13.3.
Variant type: single nucleotide variant.
Coding change: c.4220T>G on transcript NM_000548.5 (MANE Select); coding-DNA position 4220, T replaced by G.
Protein change: p.Val1407Gly; replaces valine 1407 with glycine.
Molecular consequence: missense variant.
Genome position (GRCh38, 1-based): chr16:2,084,442, T>G. VCF-style: chr16-2084442-T-G. GRCh37 (hg19) VCF-style: chr16-2134443-T-G.
Other names: c.4019T>G, p.Val1340Gly (NM_001077183.3); c.4151T>G, p.Val1384Gly (NM_001114382.3); c.3911T>G, p.Val1304Gly (NM_001318827.2); c.3875T>G, p.Val1292Gly (NM_001318829.2); c.3488T>G, p.Val1163Gly (NM_001318831.2); c.4052T>G, p.Val1351Gly (NM_001318832.2); c.4022T>G, p.Val1341Gly (NM_001363528.2); c.4088T>G, p.Val1363Gly (NM_001370404.1); and 1 more; short protein forms V1407G, V1340G, V1341G, V1363G, V1163G, V1292G, V1304G, V1384G.
Identifiers: ClinVar variation 535898 (VCV000535898.8), dbSNP rs1555514182, ClinGen allele CA394300107.
Genomic context (GRCh38, chr16:2,084,442, plus strand): 5'-CCTCTCCCGAGCTGCAGACTCTGCAGGACATCCTCGGGGACCCTGGGGACAAGGCCGACG[T>G]GGGCCGGCTGAGCCCTGAGGTTAAGGCCCGGTCACAGTCAGGGACCCTGGACGGGGAAAG-3'
Protein context (NP_000539.2, residues 1397-1417): ILGDPGDKAD[Val1407Gly]GRLSPEVKAR